The following is an entry in ClinVar:

NM_020911.2(PLXNA4):c.3227A>G (p.Lys1076Arg)

Gene: PLXNA4 (plexin A4; minus strand). Cytogenetic location: 7q32.3.
Variant type: single nucleotide variant.
Coding change: c.3227A>G on transcript NM_020911.2 (MANE Select); coding-DNA position 3227, A replaced by G.
Protein change: p.Lys1076Arg; replaces lysine 1076 with arginine.
Molecular consequence: missense variant.
Genome position (GRCh38, 1-based): chr7:132,182,122, T>C on the plus strand (A>G on the coding strand, the complement: PLXNA4 is on the minus strand). VCF-style: chr7-132182122-T-C. GRCh37 (hg19) VCF-style: chr7-131866881-T-C.
Other names: c.3227A>G, p.Lys1076Arg (NM_001393897.1); short protein forms K1076R.
Identifiers: ClinVar variation 4998619 (VCV004998619.1).

ClinVar aggregate classification (germline): Uncertain significance (1 of 4 stars; one submission).

Conditions:
PLXNA4-related disorder. Also called: PLXNA4-related condition.

Submission:

PreventionGenetics, part of Exact Sciences
Classification: Uncertain significance for PLXNA4-related condition. Last evaluated: 2025-01-16. Review status: criteria provided, single submitter. Criteria: ACMG Guidelines, 2015. Collection method: clinical testing. Allele origin: germline.
Comment: The PLXNA4 c.3227A>G variant is predicted to result in the amino acid substitution p.Lys1076Arg. To our knowledge, this variant has not been reported in the literature or in a large population database (gnomAD), indicating this variant is rare. At this time, the clinical significance of this variant is uncertain due to the absence of conclusive functional and genetic evidence.